The following is an entry in ClinVar:

ClinVar aggregate classification (germline): Uncertain significance (1 of 4 stars; one submission).

Submission:

Ambry Genetics
Classification: Uncertain significance. Last evaluated: 2021-06-29. Review status: criteria provided, single submitter. Criteria: Ambry Variant Classification Scheme 2023. Collection method: clinical testing. Allele origin: germline.
Comment: The p.S146P variant (also known as c.436T>C), located in coding exon 4 of the BUB3 gene, results from a T to C substitution at nucleotide position 436. The serine at codon 146 is replaced by proline, an amino acid with similar properties. This amino acid position is conserved. In addition, the in silico prediction for this alteration is inconclusive. Since supporting evidence is limited at this time, the clinical significance of this alteration remains unclear.

NM_004725.4(BUB3):c.436T>C (p.Ser146Pro)

Gene: BUB3 (BUB3 mitotic checkpoint protein; plus strand). Cytogenetic location: 10q26.13.
Variant type: single nucleotide variant.
Coding change: c.436T>C on transcript NM_004725.4 (MANE Select); coding-DNA position 436, T replaced by C.
Protein change: p.Ser146Pro; replaces serine 146 with proline.
Molecular consequence: missense variant.
Genome position (GRCh38, 1-based): chr10:123,160,425, T>C. VCF-style: chr10-123160425-T-C. GRCh37 (hg19) VCF-style: chr10-124919941-T-C.
Other names: c.436T>C, p.Ser146Pro (NM_001007793.3); short protein forms S146P.
Identifiers: ClinVar variation 1740084 (VCV001740084.2), dbSNP rs879711835, ClinGen allele CA378626096.